The following is an entry in ClinVar:

ClinVar aggregate classification (germline): Conflicting classifications of pathogenicity. Review status: criteria provided, conflicting classifications (1 of 4 stars). 2 submissions from 2 submitters: Uncertain significance (1); Likely benign (1). Last evaluated 2026-09-21.

Conditions:
Cardiomyopathy (CMYO). Also called: Cardiomyopathies. Identifiers: Orphanet 167848, MedGen C0878544, MONDO:0004994, HP:0001638. Inheritance: Various modes of inheritance.

Allele frequency attached by ClinVar (database versions not stated): gnomAD exomes below 0.00001; TOPMed 0.00001.
gnomAD v4.1: 4 of 1,613,422 alleles (0.00025%); highest among the groups gnomAD compares: African/African-American, 0.0013%; no homozygotes.

Submissions (2):

Molecular Diagnostic Laboratory for Inherited Cardiovascular Disease, Montreal Heart Institute
Classification: Likely benign. Last evaluated: 2026-09-21. Review status: criteria provided, single submitter. Criteria: ACMG Guidelines, 2015. Collection method: clinical testing. Allele origin: germline. Affected: no.
Comment: BP1

CHEO Genetics Diagnostic Laboratory, Children's Hospital of Eastern Ontario
Classification: Uncertain significance for Cardiomyopathy. Last evaluated: 2016-08-02. Review status: criteria provided, single submitter. Criteria: ACMG Guidelines, 2015. Collection method: clinical testing. Allele origin: germline. Study: Canadian Open Genetics Repository.

NM_001267550.2(TTN):c.61853T>C (p.Ile20618Thr)

Genes: TTN-AS1 (TTN antisense RNA 1; plus strand), TTN (titin; minus strand). Cytogenetic location: 2q31.2.
Variant type: single nucleotide variant.
Coding change: c.61853T>C on transcript NM_001267550.2 (MANE Select); coding-DNA position 61853, T replaced by C.
Protein change: p.Ile20618Thr; replaces isoleucine 20618 with threonine.
Molecular consequence: missense variant.
Genome position (GRCh38, 1-based): chr2:178,589,872, A>G on the plus strand (T>C on the coding strand, the complement: TTN is on the minus strand). VCF-style: chr2-178589872-A-G. GRCh37 (hg19) VCF-style: chr2-179454599-A-G.
Other names: c.56930T>C, p.Ile18977Thr (NM_001256850.1); c.34658T>C, p.Ile11553Thr (NM_003319.4); c.54149T>C, p.Ile18050Thr (NM_133378.4); c.35033T>C, p.Ile11678Thr (NM_133432.3); c.35234T>C, p.Ile11745Thr (NM_133437.4); short protein forms I18977T, I20618T, I11678T, I18050T, I11553T, I11745T.
Identifiers: ClinVar variation 626426 (VCV000626426.3), dbSNP rs901919886, ClinGen allele CA60967645.
Genomic context (GRCh38, chr2:178,589,872, plus strand): 5'-TATTCATTGTTGGCTAAAAGGTTGGCCTTGATTAATCGTTTAGTGACATCTGATGCAACA[A>G]TTGACCAGCCTTTCTGGTTTGGTTTGCGATATTCTACTATGAAGTTTGTTATTTCTGAGC-3'
Protein context (NP_001254479.2, residues 20608-20628): YRKPNQKGWS[Ile20618Thr]VASDVTKRLI